The following is an entry in ClinVar:

NM_005228.5(EGFR):c.13G>C (p.Gly5Arg)

Gene: EGFR (epidermal growth factor receptor; plus strand). Cytogenetic location: 7p11.2.
Variant type: single nucleotide variant.
Coding change: c.13G>C on transcript NM_005228.5 (MANE Select); coding-DNA position 13, G replaced by C.
Protein change: p.Gly5Arg; replaces glycine 5 with arginine.
Molecular consequence: missense variant.
Genome position (GRCh38, 1-based): chr7:55,019,290, G>C. VCF-style: chr7-55019290-G-C. GRCh37 (hg19) VCF-style: chr7-55086983-G-C.
Other names: c.13G>C (NM_005228.3); c.13G>C, p.Gly5Arg (NM_001346897.2, NM_001346898.2, NM_001346899.2 and 4 more transcripts); short protein forms G5R.
Identifiers: ClinVar variation 1477158 (VCV001477158.9), dbSNP rs774487133, ClinGen allele CA4265099.

ClinVar aggregate classification (germline): Uncertain significance. Review status: criteria provided, multiple submitters, no conflicts (2 of 4 stars). 2 submissions from 2 submitters: Uncertain significance (2). Last evaluated 2025-08-11.

Conditions:
Hereditary cancer-predisposing syndrome. Also called: Neoplastic Syndromes, Hereditary; Hereditary Cancer Syndrome; Tumor predisposition; Hereditary neoplastic syndrome. Identifiers: Orphanet 140162, MedGen C0027672, MeSH D009386, MONDO:0015356.
EGFR-related lung cancer (EGFR). Identifiers: MedGen CN130014.

gnomAD v4.1: 3 of 1,506,414 alleles (0.0002%); highest among the groups gnomAD compares: Non-Finnish European, 0.00027%; no homozygotes.

Submissions (2):

Ambry Genetics
Classification: Uncertain significance for Hereditary cancer-predisposing syndrome. Last evaluated: 2025-08-11. Review status: criteria provided, single submitter. Criteria: Ambry Variant Classification Scheme 2023. Collection method: clinical testing. Allele origin: germline.
Comment: The p.G5R variant (also known as c.13G>C), located in coding exon 1 of the EGFR gene, results from a G to C substitution at nucleotide position 13. The glycine at codon 5 is replaced by arginine, an amino acid with dissimilar properties. This amino acid position is not well conserved in available vertebrate species. In addition, this alteration is predicted to be tolerated by in silico analysis. Based on the available evidence, the clinical significance of this variant remains unclear.

Labcorp Genetics (formerly Invitae), Labcorp
Classification: Uncertain significance for EGFR-related lung cancer. Last evaluated: 2024-10-12. Review status: criteria provided, single submitter. Criteria: Invitae Variant Classification Sherloc (09022015). Collection method: clinical testing. Allele origin: germline.
Comment: This sequence change replaces glycine, which is neutral and non-polar, with arginine, which is basic and polar, at codon 5 of the EGFR protein (p.Gly5Arg). This variant is not present in population databases (gnomAD no frequency). This variant has not been reported in the literature in individuals affected with EGFR-related conditions. ClinVar contains an entry for this variant (Variation ID: 1477158). An algorithm developed to predict the effect of missense changes on protein structure and function outputs the following: PolyPhen-2: "Benign". The arginine amino acid residue is found in multiple mammalian species, which suggests that this missense change does not adversely affect protein function. In summary, the available evidence is currently insufficient to determine the role of this variant in disease. Therefore, it has been classified as a Variant of Uncertain Significance.